The following is an entry in ClinVar:

NM_001371928.1(AHDC1):c.2650G>A (p.Gly884Ser)

Gene: AHDC1 (AT-hook DNA binding motif containing 1; minus strand). Cytogenetic location: 1p36.11.
Variant type: single nucleotide variant.
Coding change: c.2650G>A on transcript NM_001371928.1 (MANE Select); coding-DNA position 2650, G replaced by A.
Protein change: p.Gly884Ser; replaces glycine 884 with serine.
Molecular consequence: missense variant.
Genome position (GRCh38, 1-based): chr1:27,549,466, C>T on the plus strand (G>A on the coding strand, the complement: AHDC1 is on the minus strand). VCF-style: chr1-27549466-C-T. GRCh37 (hg19) VCF-style: chr1-27875977-C-T.
Other names: c.2650G>A, p.Gly884Ser (NM_001029882.3); short protein forms G884S.
Identifiers: ClinVar variation 4881623 (VCV004881623.2).

ClinVar aggregate classification (germline): Uncertain significance (1 of 4 stars; one submission).

Submission:

Dasa
Classification: Uncertain significance. Last evaluated: 2024-11-08. Review status: criteria provided, single submitter. Criteria: DASA Assertion Criteria. Collection method: clinical testing. Allele origin: germline.
Comment: NM_001371928.1(AHDC1):c.2650G>A (p.Gly884Ser) is a missense variant that results in the substitution of glycine with serine. This variant is absent from population databases. Computational prediction algorithms are consistent with a benign effect. The currently available literature and clinical evidence are not sufficient to establish a definitive association between this variant and the reported condition. Therefore, this variant is classified as a variant of uncertain significance.